The following is an entry in ClinVar:

NM_173543.3(DZIP1L):c.482G>T (p.Gly161Val)

Gene: DZIP1L (DAZ interacting zinc finger protein 1 like; minus strand). Cytogenetic location: 3q22.3.
Variant type: single nucleotide variant.
Coding change: c.482G>T on transcript NM_173543.3 (MANE Select); coding-DNA position 482, G replaced by T.
Protein change: p.Gly161Val; replaces glycine 161 with valine.
Molecular consequence: missense variant.
Genome position (GRCh38, 1-based): chr3:138,103,490, C>A on the plus strand (G>T on the coding strand, the complement: DZIP1L is on the minus strand). VCF-style: chr3-138103490-C-A. GRCh37 (hg19) VCF-style: chr3-137822332-C-A.
Other names: c.482G>T, p.Gly161Val (NM_001170538.1); c.482G>T (NM_173543.2); short protein forms G161V.
Identifiers: ClinVar variation 1511204 (VCV001511204.5), dbSNP rs143704981, ClinGen allele CA2635278.

ClinVar aggregate classification (germline): Uncertain significance. Review status: criteria provided, multiple submitters, no conflicts (2 of 4 stars). 3 submissions from 3 submitters: Uncertain significance (3). Last evaluated 2022-05-17.

Conditions:
Inborn genetic diseases. Identifiers: MedGen C0950123, MeSH D030342.

Allele frequency attached by ClinVar (database versions not stated): ESP Exome Variant Server 0.00008; ExAC 0.00010; gnomAD exomes 0.00015; 1000 Genomes Project 30x 0.00016; gnomAD 0.00016; TOPMed 0.00019.
gnomAD v4.1: 313 of 1,603,356 alleles (0.02%); highest among the groups gnomAD compares: Non-Finnish European, 0.024%; no homozygotes.

Submissions (3):

Labcorp Genetics (formerly Invitae), Labcorp
Classification: Uncertain significance. Last evaluated: 2022-05-17. Review status: criteria provided, single submitter. Criteria: Invitae Variant Classification Sherloc (09022015). Collection method: clinical testing. Allele origin: germline.
Comment: This sequence change replaces glycine, which is neutral and non-polar, with valine, which is neutral and non-polar, at codon 161 of the DZIP1L protein (p.Gly161Val). This variant is present in population databases (rs143704981, gnomAD 0.02%). This variant has not been reported in the literature in individuals affected with DZIP1L-related conditions. Algorithms developed to predict the effect of missense changes on protein structure and function are either unavailable or do not agree on the potential impact of this missense change (SIFT: "Deleterious"; PolyPhen-2: "Possibly Damaging"; Align-GVGD: "Class C0"). In summary, the available evidence is currently insufficient to determine the role of this variant in disease. Therefore, it has been classified as a Variant of Uncertain Significance.

Ambry Genetics
Classification: Uncertain significance for Inborn genetic diseases. Last evaluated: 2021-08-30. Review status: criteria provided, single submitter. Criteria: Ambry Variant Classification Scheme 2023. Collection method: clinical testing. Allele origin: germline.

Breakthrough Genomics
Classification: Uncertain significance. Review status: criteria provided, single submitter. Criteria: ACMG Guidelines, 2015. Collection method: not provided. Allele origin: germline. Inheritance: Autosomal recessive inheritance. Affected: yes.